The following is an entry in ClinVar:

ClinVar aggregate classification (germline): Conflicting classifications of pathogenicity. Review status: criteria provided, conflicting classifications (1 of 4 stars). 8 submissions from 8 submitters: Uncertain significance (5); Likely benign (2). 1 of the submissions does not count toward it. Last evaluated 2026-02-02.

Conditions:
Hereditary nonpolyposis colorectal neoplasms. Identifiers: MedGen C0009405, MeSH D003123.
Carcinoma of colon (CRC). Also called: Colon carcinoma; Colonic carcinoma. Identifiers: MedGen C0699790, MONDO:0002032.
Hereditary cancer-predisposing syndrome. Also called: Hereditary neoplastic syndrome; Tumor predisposition; Neoplastic Syndromes, Hereditary; Hereditary Cancer Syndrome. Identifiers: Orphanet 140162, MedGen C0027672, MeSH D009386, MONDO:0015356.
Lynch syndrome. Identifiers: Orphanet 144, MedGen C4552100, MONDO:0005835. Disease mechanism: loss of function.

Allele frequency attached by ClinVar (database versions not stated): TOPMed 0.00001.
gnomAD v4.1: 7 of 1,606,338 alleles (0.00044%); highest among the groups gnomAD compares: South Asian, 0.0011%; no homozygotes.

Submissions (8):

Labcorp Genetics (formerly Invitae), Labcorp
Classification: Likely benign for Hereditary nonpolyposis colorectal neoplasms. Last evaluated: 2026-02-02. Review status: criteria provided, single submitter. Criteria: Invitae Variant Classification Sherloc (09022015). Collection method: clinical testing. Allele origin: germline.

All of Us Research Program, National Institutes of Health
Classification: Uncertain significance for Lynch syndrome. Last evaluated: 2024-07-29. Review status: criteria provided, single submitter. Criteria: ACMG Guidelines, 2015. Collection method: clinical testing. Allele origin: germline. Inheritance: Autosomal dominant inheritance. Observed: 4 variant alleles, 4 heterozygotes.
Comment: This missense variant replaces valine with leucine at codon 1027 of the MSH6 protein. Computational prediction suggests that this variant may not impact protein structure and function (internally defined REVEL score threshold <= 0.5, PMID: 27666373). To our knowledge, functional studies have not been reported for this variant. This variant has been reported in an individual affected with pancreatic cancer (PMID: 25479140) and in an individual affected with breast cancer (PMID: 25186627). This variant has not been identified in the general population by the Genome Aggregation Database (gnomAD). The available evidence is insufficient to determine the role of this variant in disease conclusively. Therefore, this variant is classified as a Variant of Uncertain Significance.

This study involves interpretation of variants in research participants for the purpose of population health screening. Participant phenotype was not available at the time of variant classification. Additional details can be found in publication PMID: 35346344, PMCID: PMC8962531

Color Diagnostics, LLC DBA Color Health
Classification: Uncertain significance for Hereditary cancer-predisposing syndrome. Last evaluated: 2024-07-17. Review status: criteria provided, single submitter. Criteria: ACMG Guidelines, 2015. Collection method: clinical testing. Allele origin: germline.
Comment: This missense variant replaces valine with leucine at codon 1027 of the MSH6 protein. Computational prediction suggests that this variant may not impact protein structure and function (internally defined REVEL score threshold <= 0.5, PMID: 27666373). To our knowledge, functional studies have not been reported for this variant. This variant has been reported in an individual affected with pancreatic cancer (PMID: 25479140) and in an individual affected with breast cancer (PMID: 25186627). This variant has not been identified in the general population by the Genome Aggregation Database (gnomAD). The available evidence is insufficient to determine the role of this variant in disease conclusively. Therefore, this variant is classified as a Variant of Uncertain Significance.

Women's Health and Genetics/Laboratory Corporation of America, LabCorp
Classification: Uncertain significance. Last evaluated: 2023-08-21. Review status: criteria provided, single submitter. Criteria: LabCorp Variant Classification Summary - May 2015. Collection method: clinical testing. Allele origin: germline.
Comment: Variant summary: MSH6 c.3079G>C (p.Val1027Leu) results in a conservative amino acid change located in the DNA mismatch repair protein MutS, core (IPR007696) of the encoded protein sequence. Five of five in-silico tools predict a benign effect of the variant on protein function. The variant was absent in 245130 control chromosomes (gnomAD). The available data on variant occurrences in the general population are insufficient to allow any conclusion about variant significance. c.3079G>C has been reported in the literature in individuals affected with breast cancer or pancreatic cancer without strong evidence of causality (Tung_2014, Grant_2015). These reports do not provide unequivocal conclusions about association of the variant with Lynch Syndrome. To our knowledge, no experimental evidence demonstrating an impact on protein function has been reported. The following publications have been ascertained in the context of this evaluation (PMID: 25186627, 25479140, 34944796). Five submitters have cited clinical-significance assessment for this variant to ClinVar after 2014, and classified it as uncertain significance (n=3) or likely benign (n=2). Based on the evidence outlined above, the variant was classified as uncertain significance.

GeneDx
Classification: Uncertain significance. Last evaluated: 2023-03-27. Review status: criteria provided, single submitter. Criteria: GeneDx Variant Classification Process June 2021. Collection method: clinical testing. Allele origin: germline. Affected: yes.
Comment: Not observed at significant frequency in large population cohorts (gnomAD); In silico analysis supports that this missense variant does not alter protein structure/function; Observed in an individual with pancreatic cancer (Grant et al., 2015); This variant is associated with the following publications: (PMID: 17531815, 21120944, 34944796, 25479140)

Quest Diagnostics Nichols Institute San Juan Capistrano
Classification: Uncertain significance. Last evaluated: 2018-08-13. Review status: criteria provided, single submitter. Criteria: Quest Diagnostics criteria. Collection method: clinical testing. Allele origin: germline.

Ambry Genetics
Classification: Likely benign for Hereditary cancer-predisposing syndrome. Last evaluated: 2018-05-24. Review status: criteria provided, single submitter. Criteria: Ambry Variant Classification Scheme 2023. Collection method: clinical testing. Allele origin: germline.

Department of Pathology and Laboratory Medicine, Sinai Health System
Classification: Uncertain significance for Carcinoma of colon. Review status: no assertion criteria provided. Collection method: clinical testing. Allele origin: unknown. Affected: yes. Observed: 1 variant allele. Study: The Canadian Open Genetics Repository (COGR). Not counted in ClinVar's aggregate classification.
Comment: The MSH6 p.Val1027Leu variant was not identified in the literature, nor was it identified in the dbSNP, NHLBI Exome Sequencing Project, Exome Aggregation Consortium (March 14, 2016), COSMIC, ClinVar, Clinvitae, GeneInsight COGR, MutDB, Mismatch Repair Genes Variant, MMR Gene Unclassified Variants, UMD Colon Cancer, InSIGHT Colon Cancer or Zhejiang Databases. The variant was identified on the LOVD-MSH6 variant database classified as â€šÃ„ÃºUnknownâ€šÃ„Ã¹. The p.Val1027 residue is not conserved in mammals and computational analyses (PolyPhen-2, SIFT, AlignGVGD, BLOSUM, MutationTaster) do not suggest a high likelihood of impact to the protein. However, this information is not predictive enough to rule out pathogenicity. The c.3079G>C variant occurs outside of the splicing consensus sequence and in silico or computational prediction software programs (SpliceSiteFinder, MaxEntScan, NNSPLICE, GeneSplicer, HumanSpliceFinder) do not predict a difference in splicing. In summary, based on the above information, the clinical significance of this variant cannot be determined with certainty at this time. This variant is classified as a variant of uncertain significance.

Literature cited by the submitters: PubMed 25186627 (cited by 3 submitters); PubMed 25479140 (cited by 4 submitters); PubMed 34944796 (cited by Women's Health and Genetics/Laboratory Corporation of America, LabCorp).

NM_000179.3(MSH6):c.3079G>C (p.Val1027Leu)

Gene: MSH6 (mutS homolog 6; plus strand). Cytogenetic location: 2p16.3.
Variant type: single nucleotide variant.
Coding change: c.3079G>C on transcript NM_000179.3 (MANE Select); coding-DNA position 3079, G replaced by C.
Protein change: p.Val1027Leu; replaces valine 1027 with leucine.
Molecular consequence: missense variant.
Genome position (GRCh38, 1-based): chr2:47,801,062, G>C. VCF-style: chr2-47801062-G-C. GRCh37 (hg19) VCF-style: chr2-48028201-G-C.
Other names: c.2689G>C, p.Val897Leu (NM_001281492.2); c.2173G>C, p.Val725Leu (NM_001281493.2, NM_001281494.2); short protein forms V1027L, V725L, V897L.
Identifiers: ClinVar variation 230117 (VCV000230117.27), dbSNP rs876658397, ClinGen allele CA10578129.